The following is an entry in ClinVar:

NM_000093.5(COL5A1):c.2929C>G (p.His977Asp)

Gene: COL5A1 (collagen type V alpha 1 chain; plus strand). Cytogenetic location: 9q34.3.
Variant type: single nucleotide variant.
Coding change: c.2929C>G on transcript NM_000093.5 (MANE Select); coding-DNA position 2929, C replaced by G.
Protein change: p.His977Asp; replaces histidine 977 with aspartic acid.
Molecular consequence: missense variant.
Genome position (GRCh38, 1-based): chr9:134,798,438, C>G. VCF-style: chr9-134798438-C-G. GRCh37 (hg19) VCF-style: chr9-137690284-C-G.
Other names: c.2929C>G, p.His977Asp (NM_001278074.1); short protein forms H977D.
Identifiers: ClinVar variation 2696403 (VCV002696403.3), dbSNP rs752716154, ClinGen allele CA375457659.

ClinVar aggregate classification (germline): Uncertain significance (1 of 4 stars; one submission).

Conditions:
Ehlers-Danlos syndrome, classic type, 1 (EDSCL1). Also called: EHLERS-DANLOS SYNDROME, GRAVIS TYPE; EHLERS-DANLOS SYNDROME, SEVERE CLASSIC TYPE; Ehlers-Danlos syndrome, type 1; Ehlers-Danlos Syndrome, Classic Type, COL5A1-Related; EDS I. Identifiers: MedGen C0268335, MONDO:0019567, OMIM 130000.

Submission:

Labcorp Genetics (formerly Invitae), Labcorp
Classification: Uncertain significance for Ehlers-Danlos syndrome, classic type, 1. Last evaluated: 2023-11-17. Review status: criteria provided, single submitter. Criteria: Invitae Variant Classification Sherloc (09022015). Collection method: clinical testing. Allele origin: germline.
Comment: This sequence change replaces histidine, which is basic and polar, with aspartic acid, which is acidic and polar, at codon 977 of the COL5A1 protein (p.His977Asp). This variant is not present in population databases (gnomAD no frequency). This variant has not been reported in the literature in individuals affected with COL5A1-related conditions. Advanced modeling of protein sequence and biophysical properties (such as structural, functional, and spatial information, amino acid conservation, physicochemical variation, residue mobility, and thermodynamic stability) performed at Invitae indicates that this missense variant is expected to disrupt COL5A1 protein function with a positive predictive value of 95%. In summary, the available evidence is currently insufficient to determine the role of this variant in disease. Therefore, it has been classified as a Variant of Uncertain Significance.